The following is an entry in ClinVar:

NM_007294.4(BRCA1):c.3323_3324del (p.Ile1108fs)

Genes: BRCA1 (BRCA1 DNA repair associated; minus strand), LOC126862571 (BRD4-independent group 4 enhancer GRCh37_chr17:41243136-41244335; plus strand). Cytogenetic location: 17q21.31.
Variant type: Deletion.
Coding change: c.3323_3324del on transcript NM_007294.4 (MANE Select); coding-DNA positions 3323 to 3324, 2 bases deleted (TA; older notation c.3323_3324delTA).
Protein change: p.Ile1108fs; shifts the reading frame from isoleucine 1108.
Molecular consequence: frameshift variant. On other transcripts: intron variant (137).
Genome position (GRCh38, 1-based): chr17:43,092,207-43,092,208, TA deleted on the plus strand (TA on the coding strand, the reverse complement: BRCA1 is on the minus strand); deleting any 2 consecutive bases within chr17:43,092,207-43,092,209 gives the same sequence; the c. name uses the placement nearest the transcript's 3' end. VCF-style (leftmost placement, unchanged base first): chr17-43092206-TTA-T. GRCh37 (hg19) VCF-style: chr17-41244223-TTA-T.
Other names: c.3323_3324delTA (NM_007294.3); c.3323_3324del (NM_007294.3); c.3323_3324del, p.Ile1108fs (NM_001407598.1, NM_001407602.1, NM_001407603.1 and 30 more transcripts); c.3320_3321del, p.Ile1107fs (NM_001407610.1, NM_001407611.1, NM_001407612.1 and 22 more transcripts); c.3314_3315del, p.Ile1105fs (NM_001407646.1, NM_001407647.1); c.3200_3201del, p.Ile1067fs (NM_001407648.1, NM_001407664.1, NM_001407665.1 and 19 more transcripts); c.3197_3198del, p.Ile1066fs (NM_001407649.1, NM_001407670.1, NM_001407671.1 and 11 more transcripts); c.3245_3246del, p.Ile1082fs (NM_001407653.1, NM_001407654.1, NM_001407663.1 and 4 more transcripts); and 44 more; short protein forms I1108fs, I1061fs, I1019fs, I1041fs, I980fs, I1020fs, I1060fs, I1067fs.
Identifiers: ClinVar variation 186225 (VCV000186225.9), dbSNP rs786202791, ClinGen allele CA002141.
Genomic context (GRCh38, chr17:43,092,206, plus strand): 5'-TCAGATATGGAGAGAAATCTGTATTAACAGTCTGAACTACTTCTTCATATTCTTGCTTTT[TTA>T]TTTCAGGATGCTTACAATTACTTCCAGGAAGACTTTGTTTATAGACCTCAGGTTGCAAAA-3'

ClinVar aggregate classification (germline): Pathogenic. Review status: reviewed by expert panel (3 of 4 stars). 3 submissions from 3 submitters: Pathogenic (1). 2 of the submissions do not count toward it. Last evaluated 2016-09-08.

Conditions:
Hereditary cancer-predisposing syndrome. Also called: Hereditary Cancer Syndrome; Hereditary neoplastic syndrome; Tumor predisposition; Neoplastic Syndromes, Hereditary. Identifiers: Orphanet 140162, MedGen C0027672, MeSH D009386, MONDO:0015356.
Breast-ovarian cancer, familial, susceptibility to, 1 (BROVCA1). Also called: OVARIAN CANCER, SUSCEPTIBILITY TO; BRCA1 Hereditary Breast and Ovarian Cancer. Identifiers: Orphanet 145, MedGen C2676676, MONDO:0011450, OMIM 604370. Disease mechanism: loss of function.

Submissions (3):

Evidence-based Network for the Interpretation of Germline Mutant Alleles (ENIGMA)
Classification: Pathogenic for Breast-ovarian cancer, familial, susceptibility to, 1. Last evaluated: 2016-09-08. Review status: reviewed by expert panel. Criteria: ENIGMA BRCA1/2 Classification Criteria (2015). Collection method: curation. Allele origin: germline.
Comment: Variant allele predicted to encode a truncated non-functional protein.

Ambry Genetics
Classification: Pathogenic for Hereditary cancer-predisposing syndrome. Last evaluated: 2025-01-19. Review status: criteria provided, single submitter. Criteria: Ambry Variant Classification Scheme 2023. Collection method: clinical testing. Allele origin: germline. Not counted in ClinVar's aggregate classification.
Comment: The c.3323_3324delTA pathogenic mutation, located in coding exon 9 of the BRCA1 gene, results from a deletion of two nucleotides at nucleotide positions 3323 to 3324, causing a translational frameshift with a predicted alternate stop codon (p.I1108Kfs*6). This alteration is expected to result in loss of function by premature protein truncation or nonsense-mediated mRNA decay. As such, this alteration is interpreted as a disease-causing mutation.

GeneDx
Classification: Pathogenic. Last evaluated: 2023-04-05. Review status: criteria provided, single submitter. Criteria: GeneDx Variant Classification Process June 2021. Collection method: clinical testing. Allele origin: germline. Affected: yes. Not counted in ClinVar's aggregate classification.
Comment: Frameshift variant predicted to result in protein truncation or nonsense mediated decay in a gene for which loss of function is a known mechanism of disease; Observed in an individual with ovarian cancer (Lilyquist et al., 2017); Not observed at significant frequency in large population cohorts (gnomAD); Truncating variants in this gene are considered pathogenic by a well-established clinical consortium and/or database; Also known as 3442_3443del; This variant is associated with the following publications: (PMID: 28888541)